The following is an entry in ClinVar:

ClinVar aggregate classification (germline): Uncertain significance. Review status: criteria provided, multiple submitters, no conflicts (2 of 4 stars). 2 submissions from 2 submitters: Uncertain significance (2). Last evaluated 2024-01-29.

Conditions:
Familial thoracic aortic aneurysm and aortic dissection (TAAD). Also called: Thoracic aortic aneurysms and dissections. Identifiers: Orphanet 91387, MedGen C4707243, MONDO:0019625.
Aortic aneurysm, familial thoracic 6 (AAT6). Also called: FAMILIAL THORACIC AORTIC ANEURYSM WITH LIVEDO RETICULARIS AND IRIS FLOCCULI. Identifiers: MedGen C2673186, MONDO:0012730, OMIM 611788.

Submissions (2):

Labcorp Genetics (formerly Invitae), Labcorp
Classification: Uncertain significance for Aortic aneurysm, familial thoracic 6. Last evaluated: 2024-01-29. Review status: criteria provided, single submitter. Criteria: Invitae Variant Classification Sherloc (09022015). Collection method: clinical testing. Allele origin: germline.
Comment: This sequence change falls in intron 4 of the ACTA2 gene. It does not directly change the encoded amino acid sequence of the ACTA2 protein. It affects a nucleotide within the consensus splice site. This variant is not present in population databases (gnomAD no frequency). This variant has not been reported in the literature in individuals affected with ACTA2-related conditions. Variants that disrupt the consensus splice site are a relatively common cause of aberrant splicing (PMID: 17576681, 9536098). Algorithms developed to predict the effect of sequence changes on RNA splicing suggest that this variant is not likely to affect RNA splicing. In summary, the available evidence is currently insufficient to determine the role of this variant in disease. Therefore, it has been classified as a Variant of Uncertain Significance.

All of Us Research Program, National Institutes of Health
Classification: Uncertain significance for Familial thoracic aortic aneurysm and aortic dissection. Last evaluated: 2024-01-03. Review status: criteria provided, single submitter. Criteria: ACMG Guidelines, 2015. Collection method: clinical testing. Allele origin: germline. Inheritance: Autosomal dominant inheritance. Observed: 2 variant alleles, 2 heterozygotes.
Comment: This variant causes a G to A nucleotide substitution at the +5 position of intron 4 of the ACTA2 gene. To our knowledge, functional studies have not been reported for this variant. This variant has not been reported in individuals affected with ACTA2-related disorders in the literature. This variant has not been identified in the general population by the Genome Aggregation Database (gnomAD). The available evidence is insufficient to determine the role of this variant in disease conclusively. Therefore, this variant is classified as a Variant of Uncertain Significance.

This study involves interpretation of variants in research participants for the purpose of population health screening. Participant phenotype was not available at the time of variant classification. Additional details can be found in publication PMID: 35346344, PMCID: PMC8962531

Literature cited by the submitters: PubMed 17576681 (cited by Labcorp Genetics (formerly Invitae), Labcorp); PubMed 9536098 (cited by Labcorp Genetics (formerly Invitae), Labcorp).

NM_001613.4(ACTA2):c.369+5G>A

Gene: ACTA2 (actin alpha 2, smooth muscle; minus strand). Cytogenetic location: 10q23.31.
Variant type: single nucleotide variant.
Coding change: c.369+5G>A on transcript NM_001613.4 (MANE Select); 5 bases into the intron after coding-DNA position 369, G replaced by A.
Molecular consequence: intron variant.
Genome position (GRCh38, 1-based): chr10:88,943,792, C>T on the plus strand (G>A on the coding strand, the complement: ACTA2 is on the minus strand). VCF-style: chr10-88943792-C-T. GRCh37 (hg19) VCF-style: chr10-90703549-C-T.
Other names: c.240+5G>A (NM_001406467.1, NM_001406468.1, NM_001406469.1); c.369+5G>A (NM_001320855.2, NM_001406462.1, NM_001406471.1 and 3 more transcripts); c.259-1923G>A (NM_001406466.1).
Identifiers: ClinVar variation 2714094 (VCV002714094.4), dbSNP rs2494554186, ClinGen allele CA2697558653.
Genomic context (GRCh38, chr10:88,943,792, plus strand): 5'-TAGCCTCCTTCTAACAGAAGTTTCCCCAGACCCCACAGTGTTGTGTGCTGGGGTAGCATA[C>T]TTACTTGAGTCATTTTCTCCCGGTTGGCCTTGGGGTTCAGGGGTGCCTCCGTGAGCAGGG-3'